The following is an entry in ClinVar:

NM_003482.4(KMT2D):c.5874C>T (p.Arg1958=)

Gene: KMT2D (lysine methyltransferase 2D; minus strand). Cytogenetic location: 12q13.12.
Variant type: single nucleotide variant.
Coding change: c.5874C>T on transcript NM_003482.4 (MANE Select); coding-DNA position 5874, C replaced by T.
Protein change: p.Arg1958=; no amino-acid change (arginine 1958 retained).
Molecular consequence: synonymous variant.
Genome position (GRCh38, 1-based): chr12:49,042,324, G>A on the plus strand (C>T on the coding strand, the complement: KMT2D is on the minus strand). VCF-style: chr12-49042324-G-A. GRCh37 (hg19) VCF-style: chr12-49436107-G-A.
Identifiers: ClinVar variation 309055 (VCV000309055.31), dbSNP rs182887940, ClinGen allele CA6547404.
Genomic context (GRCh38, chr12:49,042,324, plus strand): 5'-GCCACCTGAGCCCGTCCAGGGGCTGTCGGGCTCACCGGGTTCCGGGCTAAAGAAGCCCCC[G>A]CGCTCCCTGGGGCGCAGGGGCAGAGAGTCACAGGGCGCAGGGATGCCAAGTCCCACCCCA-3'
Protein context (NP_003473.3, residues 1948-1968): CQSPFLDSRE[Arg1958=]GGFFSPEPGE

ClinVar aggregate classification (germline): Benign/Likely benign. Review status: criteria provided, multiple submitters, no conflicts (2 of 4 stars). 7 submissions from 7 submitters: Benign (6); Likely benign (1). Last evaluated 2026-08-01.

Conditions:
Kabuki syndrome. Also called: Kabuki make-up syndrome; NIIKAWA-KUROKI SYNDROME. Identifiers: Orphanet 2322, MedGen C0796004, MONDO:0016512.
Kabuki syndrome 1 (KABUK1). Also called: KMT2D-Related Kabuki Syndrome. Identifiers: Orphanet 2322, MedGen CN030661, MONDO:0007843, OMIM 147920.

Allele frequency attached by ClinVar (database versions not stated): ESP Exome Variant Server 0.00043; gnomAD 0.00091 and 0.00125; TOPMed 0.00105; 1000 Genomes Project 0.00240; 1000 Genomes Project 30x 0.00250; gnomAD exomes 0.00377; ExAC 0.01123.
gnomAD v4.1: 2,595 of 1,533,872 alleles (0.17%); highest among the groups gnomAD compares: South Asian, 1.4%; 30 homozygotes.

Submissions (7):

CeGaT Center for Human Genetics Tuebingen
Classification: Benign. Last evaluated: 2026-08-01. Review status: criteria provided, single submitter. Criteria: CeGaT Center For Human Genetics Tuebingen Variant Classification Criteria Version 2. Collection method: clinical testing. Allele origin: germline. Affected: yes. Observed: 9 variant alleles.
Comment: KMT2D: BP4, BS1, BS2

Labcorp Genetics (formerly Invitae), Labcorp
Classification: Benign for Kabuki syndrome. Last evaluated: 2026-01-28. Review status: criteria provided, single submitter. Criteria: Invitae Variant Classification Sherloc (09022015). Collection method: clinical testing. Allele origin: germline.

Fulgent Genetics
Classification: Likely benign for Kabuki syndrome 1. Last evaluated: 2021-10-08. Review status: criteria provided, single submitter. Criteria: ACMG Guidelines, 2015. Collection method: clinical testing. Allele origin: unknown.

Genetic Services Laboratory, University of Chicago
Classification: Benign. Last evaluated: 2020-04-24. Review status: criteria provided, single submitter. Criteria: ACMG Guidelines, 2015. Collection method: clinical testing. Allele origin: germline. Affected: no.

GeneDx
Classification: Benign. Last evaluated: 2019-01-11. Review status: criteria provided, single submitter. Criteria: GeneDx Variant Classification Process June 2021. Collection method: clinical testing. Allele origin: germline. Affected: yes.

Athena Diagnostics
Classification: Benign. Last evaluated: 2017-04-18. Review status: criteria provided, single submitter. Criteria: Athena Diagnostics Criteria. Collection method: clinical testing. Allele origin: germline.

Breakthrough Genomics
Classification: Benign. Review status: criteria provided, single submitter. Criteria: ACMG Guidelines, 2015. Collection method: not provided. Allele origin: germline. Inheritance: Autosomal dominant inheritance. Affected: yes.